The following is an entry in ClinVar:

NM_002354.3(EPCAM):c.707A>T (p.Asn236Ile)

Gene: EPCAM (epithelial cell adhesion molecule; plus strand). Cytogenetic location: 2p21.
Variant type: single nucleotide variant.
Coding change: c.707A>T on transcript NM_002354.3 (MANE Select); coding-DNA position 707, A replaced by T.
Protein change: p.Asn236Ile; replaces asparagine 236 with isoleucine.
Molecular consequence: missense variant.
Genome position (GRCh38, 1-based): chr2:47,379,818, A>T. VCF-style: chr2-47379818-A-T. GRCh37 (hg19) VCF-style: chr2-47606957-A-T.
Other names: short protein forms N236I.
Identifiers: ClinVar variation 2452155 (VCV002452155.2), dbSNP rs915113822, ClinGen allele CA346724426.

ClinVar aggregate classification (germline): Uncertain significance (1 of 4 stars; one submission).

Conditions:
Hereditary cancer-predisposing syndrome. Also called: Neoplastic Syndromes, Hereditary; Tumor predisposition; Hereditary neoplastic syndrome; Hereditary Cancer Syndrome. Identifiers: Orphanet 140162, MedGen C0027672, MeSH D009386, MONDO:0015356.

Submission:

Ambry Genetics
Classification: Uncertain significance for Hereditary cancer-predisposing syndrome. Last evaluated: 2022-12-03. Review status: criteria provided, single submitter. Criteria: Ambry Variant Classification Scheme 2023. Collection method: clinical testing. Allele origin: germline.
Comment: The p.N236I variant (also known as c.707A>T), located in coding exon 7 of the EPCAM gene, results from an A to T substitution at nucleotide position 707. The asparagine at codon 236 is replaced by isoleucine, an amino acid with dissimilar properties. This amino acid position is conserved. In addition, this alteration is predicted to be tolerated by in silico analysis. Since supporting evidence is limited at this time, the clinical significance of this alteration remains unclear.